The following is an entry in ClinVar:

ClinVar aggregate classification (germline): Uncertain significance (1 of 4 stars; one submission).

Conditions:
Tuberous sclerosis 2 (TSC2). Identifiers: Orphanet 805, MedGen C1860707, MONDO:0013199, OMIM 613254.

Submission:

Labcorp Genetics (formerly Invitae), Labcorp
Classification: Uncertain significance for Tuberous sclerosis 2. Last evaluated: 2022-03-20. Review status: criteria provided, single submitter. Criteria: Invitae Variant Classification Sherloc (09022015). Collection method: clinical testing. Allele origin: germline.
Comment: In summary, the available evidence is currently insufficient to determine the role of this variant in disease. Therefore, it has been classified as a Variant of Uncertain Significance. Advanced modeling of protein sequence and biophysical properties (such as structural, functional, and spatial information, amino acid conservation, physicochemical variation, residue mobility, and thermodynamic stability) performed at Invitae indicates that this missense variant is not expected to disrupt TSC2 protein function. ClinVar contains an entry for this variant (Variation ID: 647606). This variant has not been reported in the literature in individuals affected with TSC2-related conditions. This variant is not present in population databases (gnomAD no frequency). This sequence change replaces arginine, which is basic and polar, with leucine, which is neutral and non-polar, at codon 1174 of the TSC2 protein (p.Arg1174Leu).

NM_000548.5(TSC2):c.3521G>T (p.Arg1174Leu)

Gene: TSC2 (TSC complex subunit 2; plus strand). Cytogenetic location: 16p13.3.
Variant type: single nucleotide variant.
Coding change: c.3521G>T on transcript NM_000548.5 (MANE Select); coding-DNA position 3521, G replaced by T.
Protein change: p.Arg1174Leu; replaces arginine 1174 with leucine.
Molecular consequence: missense variant.
Genome position (GRCh38, 1-based): chr16:2,080,288, G>T. VCF-style: chr16-2080288-G-T. GRCh37 (hg19) VCF-style: chr16-2130289-G-T.
Other names: c.3389G>T, p.Arg1130Leu (NM_001077183.3, NM_001370404.1); c.3521G>T, p.Arg1174Leu (NM_001114382.3); c.3281G>T, p.Arg1094Leu (NM_001318827.2); c.3245G>T, p.Arg1082Leu (NM_001318829.2); c.2789G>T, p.Arg930Leu (NM_001318831.2); c.3422G>T, p.Arg1141Leu (NM_001318832.2); c.3392G>T, p.Arg1131Leu (NM_001363528.2, NM_001370405.1, NM_021055.3); short protein forms R1130L, R930L, R1174L, R1082L, R1141L, R1094L, R1131L.
Identifiers: ClinVar variation 647606 (VCV000647606.8), dbSNP rs368666554, ClinGen allele CA276746792.
Genomic context (GRCh38, chr16:2,080,288, plus strand): 5'-CTTCTCCAGGACCACGGACTGCACCAGCCGCGAAACCTGAGAAGGCCTCAGCTGGCACCC[G>T]GGTTCCTGTGCAGGAGAAGACGAACCTGGCGGCCTATGTGCCCCTGCTGACCCAGGGCTG-3'
Protein context (NP_000539.2, residues 1164-1184): AKPEKASAGT[Arg1174Leu]VPVQEKTNLA